The following is an entry in ClinVar:

NM_182914.3(SYNE2):c.13266G>A (p.Gln4422=)

Gene: SYNE2 (spectrin repeat containing nuclear envelope protein 2; plus strand). Cytogenetic location: 14q23.2.
Variant type: single nucleotide variant.
Coding change: c.13266G>A on transcript NM_182914.3 (MANE Select); coding-DNA position 13266, G replaced by A.
Protein change: p.Gln4422=; no amino-acid change (glutamine 4422 retained).
Molecular consequence: synonymous variant.
Genome position (GRCh38, 1-based): chr14:64,122,119, G>A. VCF-style: chr14-64122119-G-A. GRCh37 (hg19) VCF-style: chr14-64588837-G-A.
Other names: c.13266G>A, p.Gln4422= (NM_015180.6).
Identifiers: ClinVar variation 130471 (VCV000130471.23), dbSNP rs34944385, ClinGen allele CA155531.
Genomic context (GRCh38, chr14:64,122,119, plus strand): 5'-AGAATTTAATGCTAAGAAAATGTGGCCCCAGTATTGCCAACATGATAACGATACAACTCA[G>A]GAATCATCTGCAAGGTAAAACATTTAAAAATAGAGTTGGTCATTCAGTGGTTTTATGACT-3'
Protein context (NP_878918.2, residues 4412-4432): QYCQHDNDTT[Gln4422=]ESSASNQASS

ClinVar aggregate classification (germline): Benign. Review status: criteria provided, multiple submitters, no conflicts (2 of 4 stars). 6 submissions from 6 submitters: Benign (4). 2 of the submissions do not count toward it. Last evaluated 2026-02-02.

Conditions:
SYNE2-related disorder. Also called: SYNE2-related condition.
Emery-Dreifuss muscular dystrophy 5, autosomal dominant (EDMD5). Also called: EMERY-DREIFUSS MUSCULAR DYSTROPHY 5. Identifiers: Orphanet 261, MedGen C2751805, MONDO:0013072, OMIM 612999.

Allele frequency attached by ClinVar (database versions not stated): 1000 Genomes Project 30x 0.00999; 1000 Genomes Project 0.01038; TOPMed 0.01059; ESP Exome Variant Server 0.01099; gnomAD 0.01230 and 0.01248; ExAC 0.01362; gnomAD exomes 0.01392 and 0.01526.
gnomAD v4.1: 24,311 of 1,613,886 alleles (1.5%); highest among the groups gnomAD compares: Middle Eastern, 2.2%; 208 homozygotes.

Submissions (6):

Labcorp Genetics (formerly Invitae), Labcorp
Classification: Benign for Emery-Dreifuss muscular dystrophy 5, autosomal dominant. Last evaluated: 2026-02-02. Review status: criteria provided, single submitter. Criteria: Invitae Variant Classification Sherloc (09022015). Collection method: clinical testing. Allele origin: germline.

Athena Diagnostics
Classification: Benign. Last evaluated: 2024-07-05. Review status: criteria provided, single submitter. Criteria: Athena Diagnostics Criteria. Collection method: clinical testing. Allele origin: unknown.

Illumina Laboratory Services, Illumina
Classification: Benign for Emery-Dreifuss muscular dystrophy 5, autosomal dominant. Last evaluated: 2018-01-13. Review status: criteria provided, single submitter. Criteria: ICSL Variant Classification Criteria 13 December 2019. Collection method: clinical testing. Allele origin: germline.
Comment: This variant was observed in the ICSL laboratory as part of a predisposition screen in an ostensibly healthy population. It had not been previously curated by ICSL or reported in the Human Gene Mutation Database (HGMD: prior to June 1st, 2018), and was therefore a candidate for classification through an automated scoring system. Utilizing variant allele frequency, disease prevalence and penetrance estimates, and inheritance mode, an automated score was calculated to assess if this variant is too frequent to cause the disease. Based on the score and internal cut-off values, a variant classified as benign is not then subjected to further curation. The score for this variant resulted in a classification of benign for this disease.

Breakthrough Genomics
Classification: Benign. Review status: criteria provided, single submitter. Criteria: ACMG Guidelines, 2015. Collection method: not provided. Allele origin: germline. Inheritance: Autosomal dominant inheritance. Affected: yes.

PreventionGenetics, part of Exact Sciences
Classification: Benign for SYNE2-related condition. Last evaluated: 2019-12-03. Review status: no assertion criteria provided. Collection method: clinical testing. Allele origin: germline. Not counted in ClinVar's aggregate classification.
Comment: This variant is classified as benign based on ACMG/AMP sequence variant interpretation guidelines (Richards et al. 2015 PMID: 25741868, with internal and published modifications).

Genetic Services Laboratory, University of Chicago
Classification: Likely benign for AllHighlyPenetrant. Review status: no assertion criteria provided. Collection method: clinical testing. Allele origin: germline. Inheritance: Autosomal dominant inheritance. Not counted in ClinVar's aggregate classification.
Comment: Likely benign based on allele frequency in 1000 Genomes Project or ESP global frequency and its presence in a patient with a rare or unrelated disease phenotype. NOT Sanger confirmed.

Literature cited by the submitters: PubMed 27508393 (cited by Athena Diagnostics).